The following is an entry in ClinVar:

ClinVar aggregate classification (germline): Uncertain significance (1 of 4 stars; one submission).

Submission:

Labcorp Genetics (formerly Invitae), Labcorp
Classification: Uncertain significance. Last evaluated: 2024-06-17. Review status: criteria provided, single submitter. Criteria: Invitae Variant Classification Sherloc (09022015). Collection method: clinical testing. Allele origin: germline.
Comment: This sequence change replaces aspartic acid, which is acidic and polar, with valine, which is neutral and non-polar, at codon 926 of the COL2A1 protein (p.Asp926Val). This variant is not present in population databases (gnomAD no frequency). This variant has not been reported in the literature in individuals affected with COL2A1-related conditions. Advanced modeling of protein sequence and biophysical properties (such as structural, functional, and spatial information, amino acid conservation, physicochemical variation, residue mobility, and thermodynamic stability) performed at Invitae indicates that this missense variant is not expected to disrupt COL2A1 protein function with a negative predictive value of 95%. In summary, the available evidence is currently insufficient to determine the role of this variant in disease. Therefore, it has been classified as a Variant of Uncertain Significance.

NM_001844.5(COL2A1):c.2777A>T (p.Asp926Val)

Gene: COL2A1 (collagen type II alpha 1 chain; minus strand). Cytogenetic location: 12q13.11.
Variant type: single nucleotide variant.
Coding change: c.2777A>T on transcript NM_001844.5 (MANE Select); coding-DNA position 2777, A replaced by T.
Protein change: p.Asp926Val; replaces aspartic acid 926 with valine.
Molecular consequence: missense variant.
Genome position (GRCh38, 1-based): chr12:47,978,715, T>A on the plus strand (A>T on the coding strand, the complement: COL2A1 is on the minus strand). VCF-style: chr12-47978715-T-A. GRCh37 (hg19) VCF-style: chr12-48372498-T-A.
Other names: c.2570A>T, p.Asp857Val (NM_033150.3); short protein forms D926V, D857V.
Identifiers: ClinVar variation 2844551 (VCV002844551.3), dbSNP rs1246355642, ClinGen allele CA384542418.